The following is an entry in ClinVar:

ClinVar aggregate classification (germline): Uncertain significance. Review status: criteria provided, multiple submitters, no conflicts (2 of 4 stars). 2 submissions from 2 submitters: Uncertain significance (2). Last evaluated 2024-10-16.

Conditions:
X-linked myopathy with excessive autophagy (AVM). Also called: Vacuolar myopathy; Autophagic vacuolar myopathy. Identifiers: Orphanet 25980, MedGen C1839615, MONDO:0010684, OMIM 310440.
Inborn genetic diseases. Identifiers: MedGen C0950123, MeSH D030342.

Allele frequency attached by ClinVar (database versions not stated): gnomAD exomes 0.00001 and 0.00002; ExAC 0.00002.
gnomAD v4.1: 5 of 1,209,400 alleles (0.00041%); highest among the groups gnomAD compares: Admixed American, 0.0087%; no homozygotes.

Submissions (2):

Ambry Genetics
Classification: Uncertain significance for Inborn genetic diseases. Last evaluated: 2024-10-16. Review status: criteria provided, single submitter. Criteria: Ambry Variant Classification Scheme 2023. Collection method: clinical testing. Allele origin: germline.

Baylor Genetics
Classification: Uncertain significance for X-linked myopathy with excessive autophagy. Last evaluated: 2018-02-23. Review status: criteria provided, single submitter. Criteria: ACMG Guidelines, 2015. Collection method: clinical testing. Allele origin: unknown. Affected: yes.
Comment: This variant was determined to be of uncertain significance according to ACMG Guidelines, 2015 [PMID:25741868].

NM_001017980.4(VMA21):c.202G>T (p.Ala68Ser)

Gene: VMA21 (vacuolar ATPase assembly factor VMA21; plus strand). Cytogenetic location: Xq28.
Variant type: single nucleotide variant.
Coding change: c.202G>T on transcript NM_001017980.4 (MANE Select); coding-DNA position 202, G replaced by T.
Protein change: p.Ala68Ser; replaces alanine 68 with serine.
Molecular consequence: missense variant.
Genome position (GRCh38, 1-based): chrX:151,404,954, G>T. VCF-style: chrX-151404954-G-T. GRCh37 (hg19) VCF-style: chrX-150573426-G-T.
Other names: c.367G>T, p.Ala123Ser (NM_001363810.1); short protein forms A68S, A123S.
Identifiers: ClinVar variation 1032544 (VCV001032544.3), dbSNP rs778349414, ClinGen allele CA10540585.
Genomic context (GRCh38, chrX:151,404,954, plus strand): 5'-ACTGTTTTTTTTCTCTTGATAGGCGCCCTTGGGATGTCCAATAGGGACAGCTATTTTTAC[G>T]CTGCTATTGTTGCAGTGGTCGCCGTCCATGTGGTGCTGGCCCTCTTTGTGTATGTGGCCT-3'
Protein context (NP_001017980.1, residues 58-78): GMSNRDSYFY[Ala68Ser]AIVAVVAVHV